The following is an entry in ClinVar:

ClinVar aggregate classification (germline): Conflicting classifications of pathogenicity. Review status: criteria provided, conflicting classifications (1 of 4 stars). 2 submissions from 2 submitters: Uncertain significance (1); Likely benign (1). Last evaluated 2024-09-07.

Conditions:
Renal carnitine transport defect (CDSP). Also called: Systemic primary carnitine deficiency disease; Carnitine transporter deficiency; Carnitine Deficiency, Systemic; Systemic primary carnitine deficiency; CARNITINE DEFICIENCY, SYSTEMIC, DUE TO DEFECT IN RENAL REABSORPTION OF CARNITINE; CARNITINE TRANSPORTER, PLASMA-MEMBRANE, DEFICIENCY OF. Identifiers: Orphanet 158, MedGen C0342788, MONDO:0008919, OMIM 212140.

Allele frequency attached by ClinVar (database versions not stated): gnomAD exomes below 0.00001.

Submissions (2):

GeneDx
Classification: Uncertain significance. Last evaluated: 2024-09-07. Review status: criteria provided, single submitter. Criteria: GeneDx Variant Classification Process June 2021. Collection method: clinical testing. Allele origin: germline. Affected: yes.
Comment: Has not been previously published as pathogenic or benign to our knowledge; Not observed at significant frequency in large population cohorts (gnomAD); In silico analysis indicates that this variant does not alter splicing

Labcorp Genetics (formerly Invitae), Labcorp
Classification: Likely benign for Renal carnitine transport defect. Last evaluated: 2021-11-08. Review status: criteria provided, single submitter. Criteria: Invitae Variant Classification Sherloc (09022015). Collection method: clinical testing. Allele origin: germline.

NM_003060.4(SLC22A5):c.402G>A (p.Leu134=)

Gene: SLC22A5 (solute carrier family 22 member 5; plus strand). Cytogenetic location: 5q31.1.
Variant type: single nucleotide variant.
Coding change: c.402G>A on transcript NM_003060.4 (MANE Select); coding-DNA position 402, G replaced by A.
Protein change: p.Leu134=; no amino-acid change (leucine 134 retained).
Molecular consequence: synonymous variant.
Genome position (GRCh38, 1-based): chr5:132,378,386, G>A. VCF-style: chr5-132378386-G-A. GRCh37 (hg19) VCF-style: chr5-131714078-G-A.
Other names: c.402G>A (NM_003060.3); c.474G>A, p.Leu158= (NM_001308122.2).
Identifiers: ClinVar variation 1107252 (VCV001107252.10), dbSNP rs2126775629, ClinGen allele CA446327949.
Genomic context (GRCh38, chr5:132,378,386, plus strand): 5'-TAAAACCTTTTAAAAAGAAGTGAATGATACACCCCCTTTGCTCATCTTGCAGTGGAACCT[G>A]GTGTGTGAGGACGACTGGAAGGCCCCACTCACAATCTCCTTGTTCTTCGTGGGTGTGCTG-3'
Protein context (NP_003051.1, residues 124-144): YLSTIVTEWN[Leu134=]VCEDDWKAPL